The following is an entry in ClinVar:

ClinVar aggregate classification (germline): Uncertain significance (1 of 4 stars; one submission).

Submission:

Labcorp Genetics (formerly Invitae), Labcorp
Classification: Uncertain significance. Last evaluated: 2022-01-14. Review status: criteria provided, single submitter. Criteria: Invitae Variant Classification Sherloc (09022015). Collection method: clinical testing. Allele origin: germline.
Comment: This variant is not present in population databases (gnomAD no frequency). In summary, the available evidence is currently insufficient to determine the role of this variant in disease. Therefore, it has been classified as a Variant of Uncertain Significance. Advanced modeling of protein sequence and biophysical properties (such as structural, functional, and spatial information, amino acid conservation, physicochemical variation, residue mobility, and thermodynamic stability) performed at Invitae indicates that this missense variant is expected to disrupt MTOR protein function. ClinVar contains an entry for this variant (Variation ID: 1007744). This variant has not been reported in the literature in individuals affected with MTOR-related conditions. This sequence change replaces leucine, which is neutral and non-polar, with proline, which is neutral and non-polar, at codon 1746 of the MTOR protein (p.Leu1746Pro).

NM_004958.4(MTOR):c.5237T>C (p.Leu1746Pro)

Gene: MTOR (mechanistic target of rapamycin kinase; minus strand). Cytogenetic location: 1p36.22.
Variant type: single nucleotide variant.
Coding change: c.5237T>C on transcript NM_004958.4 (MANE Select); coding-DNA position 5237, T replaced by C.
Protein change: p.Leu1746Pro; replaces leucine 1746 with proline.
Molecular consequence: missense variant.
Genome position (GRCh38, 1-based): chr1:11,134,360, A>G on the plus strand (T>C on the coding strand, the complement: MTOR is on the minus strand). VCF-style: chr1-11134360-A-G. GRCh37 (hg19) VCF-style: chr1-11194417-A-G.
Other names: short protein forms L1746P.
Identifiers: ClinVar variation 1007744 (VCV001007744.8), dbSNP rs1643305681, ClinGen allele CA338400578.